The following is an entry in ClinVar:

NM_014425.5(INVS):c.2008C>T (p.Leu670Phe)

Gene: INVS (inversin; plus strand). Cytogenetic location: 9q31.1.
Variant type: single nucleotide variant.
Coding change: c.2008C>T on transcript NM_014425.5 (MANE Select); coding-DNA position 2008, C replaced by T.
Protein change: p.Leu670Phe; replaces leucine 670 with phenylalanine.
Molecular consequence: missense variant. On other transcripts: non-coding transcript variant (1).
Genome position (GRCh38, 1-based): chr9:100,284,543, C>T. VCF-style: chr9-100284543-C-T. GRCh37 (hg19) VCF-style: chr9-103046825-C-T.
Other names: c.1720C>T, p.Leu574Phe (NM_001318381.2); c.1030C>T, p.Leu344Phe (NM_001318382.2); short protein forms L344F, L670F, L574F.
Identifiers: ClinVar variation 1373360 (VCV001373360.5), dbSNP rs754291892, ClinGen allele CA374240543.

ClinVar aggregate classification (germline): Uncertain significance (1 of 4 stars; one submission).

Conditions:
Nephronophthisis. Also called: Juvenile Nephronophthisis. Identifiers: Orphanet 655, MedGen C0687120, MONDO:0019005, HP:0000090.

Submission:

Labcorp Genetics (formerly Invitae), Labcorp
Classification: Uncertain significance for Nephronophthisis. Last evaluated: 2024-10-24. Review status: criteria provided, single submitter. Criteria: Invitae Variant Classification Sherloc (09022015). Collection method: clinical testing. Allele origin: germline.
Comment: This sequence change replaces leucine, which is neutral and non-polar, with phenylalanine, which is neutral and non-polar, at codon 670 of the INVS protein (p.Leu670Phe). This variant is not present in population databases (gnomAD no frequency). This variant has not been reported in the literature in individuals affected with INVS-related conditions. ClinVar contains an entry for this variant (Variation ID: 1373360). An algorithm developed to predict the effect of missense changes on protein structure and function (PolyPhen-2) suggests that this variant is likely to be tolerated. In summary, the available evidence is currently insufficient to determine the role of this variant in disease. Therefore, it has been classified as a Variant of Uncertain Significance.